The following is an entry in ClinVar:

ClinVar aggregate classification (germline): Uncertain significance (1 of 4 stars; one submission).

Conditions:
Muscular dystrophy-dystroglycanopathy (congenital with impaired intellectual development), type B, 1. Also called: MUSCULAR DYSTROPHY, CONGENITAL, POMT1-RELATED; Muscular dystrophy-dystroglycanopathy (congenital with intellectual disability), type B1. Identifiers: MedGen C5436962, MONDO:0013159, OMIM 613155.
Autosomal recessive limb-girdle muscular dystrophy type 2K. Also called: MUSCULAR DYSTROPHY-DYSTROGLYCANOPATHY (LIMB-GIRDLE), TYPE C, 1; MUSCULAR DYSTROPHY, LIMB-GIRDLE, TYPE 2K. Identifiers: Orphanet 86812, MedGen C1836373, MONDO:0012248, OMIM 609308.
Walker-Warburg congenital muscular dystrophy. Also called: Muscular dystrophy-dystroglycanopathy, type A; Walker-Warburg syndrome. Identifiers: Orphanet 899, MedGen C0265221, MONDO:0000171.

Allele frequency attached by ClinVar (database versions not stated): TOPMed 0.00001; gnomAD exomes below 0.00001 and 0.00001; gnomAD 0.00001.
gnomAD v4.1: 7 of 1,551,270 alleles (0.00045%); highest among the groups gnomAD compares: East Asian, 0.017%; no homozygotes.

Submission:

Labcorp Genetics (formerly Invitae), Labcorp
Classification: Uncertain significance for Muscular dystrophy-dystroglycanopathy (congenital with impaired intellectual development), type B, 1; Walker-Warburg congenital muscular dystrophy; Autosomal recessive limb-girdle muscular dystrophy type 2K. Last evaluated: 2022-07-11. Review status: criteria provided, single submitter. Criteria: Invitae Variant Classification Sherloc (09022015). Collection method: clinical testing. Allele origin: germline.
Comment: This sequence change replaces arginine, which is basic and polar, with serine, which is neutral and polar, at codon 538 of the POMT1 protein (p.Arg538Ser). The frequency data for this variant in the population databases is considered unreliable, as metrics indicate poor data quality at this position in the gnomAD database. This variant has not been reported in the literature in individuals affected with POMT1-related conditions. ClinVar contains an entry for this variant (Variation ID: 1009714). Algorithms developed to predict the effect of missense changes on protein structure and function are either unavailable or do not agree on the potential impact of this missense change (SIFT: "Deleterious"; PolyPhen-2: "Benign"; Align-GVGD: "Class C0"). In summary, the available evidence is currently insufficient to determine the role of this variant in disease. Therefore, it has been classified as a Variant of Uncertain Significance.

NM_001077365.2(POMT1):c.1548G>C (p.Arg516Ser)

Gene: POMT1 (protein O-mannosyltransferase 1; plus strand). Cytogenetic location: 9q34.13.
Variant type: single nucleotide variant.
Coding change: c.1548G>C on transcript NM_001077365.2 (MANE Select); coding-DNA position 1548, G replaced by C.
Protein change: p.Arg516Ser; replaces arginine 516 with serine.
Molecular consequence: missense variant. On other transcripts: non-coding transcript variant (10), intron variant (1).
Genome position (GRCh38, 1-based): chr9:131,519,450, G>C. VCF-style: chr9-131519450-G-C. GRCh37 (hg19) VCF-style: chr9-134394837-G-C.
Other names: c.1386G>C, p.Arg462Ser (NM_001077366.2, NM_001353194.2); c.1548G>C, p.Arg516Ser (NM_001136113.2); c.1197G>C, p.Arg399Ser (NM_001136114.2, NM_001353195.2, NM_001374691.1 and 2 more transcripts); c.1614G>C, p.Arg538Ser (NM_001353193.2, NM_007171.4); c.1458G>C, p.Arg486Ser (NM_001353196.2); c.1452G>C, p.Arg484Ser (NM_001353197.2, NM_001353198.2); c.1263G>C, p.Arg421Ser (NM_001353199.2); c.1092G>C, p.Arg364Ser (NM_001353200.2); and 3 more; short protein forms R364S, R386S, R399S, R421S, R462S, R484S, R486S, R512S.
Identifiers: ClinVar variation 1009714 (VCV001009714.8), dbSNP rs1471379936, ClinGen allele CA375312872.